The following is an entry in ClinVar:

ClinVar aggregate classification (germline): Uncertain significance (1 of 4 stars; one submission).

Allele frequency attached by ClinVar (database versions not stated): gnomAD exomes below 0.00001.
gnomAD v4.1: 2 of 1,154,784 alleles (0.00017%); highest among the groups gnomAD compares: Non-Finnish European, 0.00021%; no homozygotes.

Submission:

Labcorp Genetics (formerly Invitae), Labcorp
Classification: Uncertain significance. Last evaluated: 2023-11-27. Review status: criteria provided, single submitter. Criteria: Invitae Variant Classification Sherloc (09022015). Collection method: clinical testing. Allele origin: germline.
Comment: This sequence change replaces alanine, which is neutral and non-polar, with valine, which is neutral and non-polar, at codon 1224 of the GRIN2D protein (p.Ala1224Val). The frequency data for this variant in the population databases is considered unreliable, as metrics indicate insufficient coverage at this position in the gnomAD database. This variant has not been reported in the literature in individuals affected with GRIN2D-related conditions. ClinVar contains an entry for this variant (Variation ID: 1994845). Advanced modeling of protein sequence and biophysical properties (such as structural, functional, and spatial information, amino acid conservation, physicochemical variation, residue mobility, and thermodynamic stability) performed at Invitae indicates that this missense variant is not expected to disrupt GRIN2D protein function with a negative predictive value of 95%. In summary, the available evidence is currently insufficient to determine the role of this variant in disease. Therefore, it has been classified as a Variant of Uncertain Significance.

NM_000836.4(GRIN2D):c.3671C>T (p.Ala1224Val)

Gene: GRIN2D (glutamate ionotropic receptor NMDA type subunit 2D; plus strand). Cytogenetic location: 19q13.33.
Variant type: single nucleotide variant.
Coding change: c.3671C>T on transcript NM_000836.4 (MANE Select); coding-DNA position 3671, C replaced by T.
Protein change: p.Ala1224Val; replaces alanine 1224 with valine.
Molecular consequence: missense variant.
Genome position (GRCh38, 1-based): chr19:48,443,597, C>T. VCF-style: chr19-48443597-C-T. GRCh37 (hg19) VCF-style: chr19-48946854-C-T.
Other names: short protein forms A1224V.
Identifiers: ClinVar variation 1994845 (VCV001994845.4), dbSNP rs2513693812, ClinGen allele CA406677468.